The following is an entry in ClinVar:

ClinVar aggregate classification (germline): Uncertain significance (1 of 4 stars; one submission).

Conditions:
Hereditary breast ovarian cancer syndrome. Also called: Hereditary breast and ovarian cancer syndrome (HBOC); Hereditary breast and ovarian cancer; Breast and ovarian cancer; Hereditary breast and/or ovarian cancer syndrome; BRCA1- and BRCA2-Associated Hereditary Breast and Ovarian Cancer; Hereditary breast and ovarian cancer syndrome. Identifiers: Orphanet 145, MedGen C0677776, MeSH D061325, MONDO:0003582. Disease mechanism: loss of function.

Submission:

Labcorp Genetics (formerly Invitae), Labcorp
Classification: Uncertain significance for Hereditary breast ovarian cancer syndrome. Last evaluated: 2025-06-16. Review status: criteria provided, single submitter. Criteria: Invitae Variant Classification Sherloc (09022015). Collection method: clinical testing. Allele origin: germline.
Comment: This sequence change replaces leucine, which is neutral and non-polar, with proline, which is neutral and non-polar, at codon 2587 of the BRCA2 protein (p.Leu2587Pro). This variant is not present in population databases (gnomAD no frequency). This variant has not been reported in the literature in individuals affected with BRCA2-related conditions. Invitae Evidence Modeling of protein sequence and biophysical properties (such as structural, functional, and spatial information, amino acid conservation, physicochemical variation, residue mobility, and thermodynamic stability) has been performed for this missense variant. However, the output from this modeling did not meet the statistical confidence thresholds required to predict the impact of this variant on BRCA2 protein function. In summary, the available evidence is currently insufficient to determine the role of this variant in disease. Therefore, it has been classified as a Variant of Uncertain Significance.

NM_000059.4(BRCA2):c.7760T>C (p.Leu2587Pro)

Gene: BRCA2 (BRCA2 DNA repair associated; plus strand). Cytogenetic location: 13q13.1.
Variant type: single nucleotide variant.
Coding change: c.7760T>C on transcript NM_000059.4 (MANE Select); coding-DNA position 7760, T replaced by C.
Protein change: p.Leu2587Pro; replaces leucine 2587 with proline.
Molecular consequence: missense variant. On other transcripts: non-coding transcript variant (1).
Genome position (GRCh38, 1-based): chr13:32,357,884, T>C. VCF-style: chr13-32357884-T-C. GRCh37 (hg19) VCF-style: chr13-32932021-T-C.
Other names: c.7664T>C, p.Leu2555Pro (NM_001406719.1); c.7760T>C, p.Leu2587Pro (NM_001406720.1, NM_001432077.1); c.2828T>C, p.Leu943Pro (NM_001406721.1); c.1343T>C, p.Leu448Pro (NM_001406722.1); short protein forms L2555P, L2587P, L448P, L943P.
Identifiers: ClinVar variation 4802347 (VCV004802347.1).